The following is an entry in ClinVar:

ClinVar aggregate classification (germline): Conflicting classifications of pathogenicity. Review status: criteria provided, conflicting classifications (1 of 4 stars). 2 submissions from 2 submitters: Likely pathogenic (1); Uncertain significance (1). Last evaluated 2026-06-23.

Conditions:
FGFR3-related chondrodysplasia. Identifiers: Orphanet 93420, MedGen C5681604, MONDO:0019685.

Submissions (2):

Genomenon, Inc
Classification: Uncertain significance for FGFR3-related chondrodysplasia. Last evaluated: 2026-06-23. Review status: criteria provided, single submitter. Criteria: Genomenon Sequence Variant Interpretation Standards - Updated. Collection method: curation. Allele origin: germline. Affected: no.
Comment: FGFR3 p.Gly803AlafsTer17 (c.2408del) is a frameshift variant that is predicted to introduce a premature termination codon and result in a truncated or absent protein product. This variant has been reported in the published literature (PMID:34194672;25927356). It is absent or not present at a significant frequency in gnomAD. In conclusion, we classify FGFR3 p.Gly803AlafsTer17 (c.2408del) as a variant of uncertain significance.

GeneDx
Classification: Likely pathogenic. Last evaluated: 2023-07-14. Review status: criteria provided, single submitter. Criteria: GeneDx Variant Classification Process June 2021. Collection method: clinical testing. Allele origin: germline. Affected: yes.
Comment: Frameshift variant predicted to result in protein truncation, as the last 4 amino acids are replaced with 16 different amino acids, and other loss-of-function variants have been reported downstream in HGMD; Not observed at significant frequency in large population cohorts (gnomAD); Identified in a patient with preaxial polydactyly in published literature (Zu et al., 2021), but has not been previously published as pathogenic or benign in association with an FGFR3-related disorder to our knowledge; This variant is associated with the following publications: (PMID: 34194672)

Literature cited by the submitters: PubMed 34194672 (cited by Genomenon, Inc); PubMed 25927356 (cited by Genomenon, Inc).

NM_000142.5(FGFR3):c.2408del (p.Gly803fs)

Gene: FGFR3 (fibroblast growth factor receptor 3; plus strand). Cytogenetic location: 4p16.3.
Variant type: Deletion.
Coding change: c.2408del on transcript NM_000142.5 (MANE Select); coding-DNA position 2408, one base deleted (G; older notation c.2408delG).
Protein change: p.Gly803fs; shifts the reading frame from glycine 803.
Molecular consequence: frameshift variant. On other transcripts: non-coding transcript variant (1).
Genome position (GRCh38, 1-based): chr4:1,807,249, G deleted; the last of 5 consecutive G bases (chr4:1,807,245-1,807,249); deleting any one gives the same sequence. VCF-style (leftmost placement, unchanged base first): chr4-1807244-TG-T. GRCh37 (hg19) VCF-style: chr4-1808971-TG-T.
Other names: c.2408delG, p.Gly803Alafs (NM_000142.4); c.2414del, p.Gly805fs (NM_001163213.2); c.2411del, p.Gly804fs (NM_001354809.2); c.2340del, p.Leu781fs (NM_001354810.2); c.2072del, p.Gly691fs (NM_022965.4); short protein forms G691fs, G803fs, G804fs, G805fs, L781fs.
Identifiers: ClinVar variation 3342383 (VCV003342383.2).
Genomic context (GRCh38, chr4:1,807,244, plus strand): 5'-CTCCTCAGGGGACGACTCCGTGTTTGCCCACGACCTGCTGCCCCCGGCCCCACCCAGCAG[TG>T]GGGGCTCGCGGACGTGAAGGGCCACTGGTCCCCAACAATGTGAGGGGTCCCTAGCAGCCC-3'